The following is an entry in ClinVar:

NM_017646.6(TRIT1):c.1116+3A>G

Gene: TRIT1 (tRNA isopentenyltransferase 1; minus strand). Cytogenetic location: 1p34.2.
Variant type: single nucleotide variant.
Coding change: c.1116+3A>G on transcript NM_017646.6 (MANE Select); 3 bases into the intron after coding-DNA position 1116, A replaced by G.
Molecular consequence: intron variant.
Genome position (GRCh38, 1-based): chr1:39,844,528, T>C on the plus strand (A>G on the coding strand, the complement: TRIT1 is on the minus strand). VCF-style: chr1-39844528-T-C. GRCh37 (hg19) VCF-style: chr1-40310200-T-C.
Other names: c.870+3A>G (NM_001312692.1); c.1038+3A>G (NM_001312691.1).
Identifiers: ClinVar variation 2413435 (VCV002413435.5), dbSNP rs756888115, ClinGen allele CA787910.
Genomic context (GRCh38, chr1:39,844,528, plus strand): 5'-GGTGTCAGCTAATGAAAGTGCTCTGAAAACCAGAAAATAGAATGTATCATGATTCATAAT[T>C]ACCTGGATGAAACTTTGCACGATTTCAAGAGCAGGTTCAAGAACAGACTCTTCCCACTTC-3'

ClinVar aggregate classification (germline): Uncertain significance (1 of 4 stars; one submission).

Allele frequency attached by ClinVar (database versions not stated): gnomAD exomes 0.00001; gnomAD 0.00001; TOPMed 0.00002; ExAC 0.00006.
gnomAD v4.1: 25 of 1,609,440 alleles (0.0016%); highest among the groups gnomAD compares: Admixed American, 0.025%; no homozygotes.

Submission:

Labcorp Genetics (formerly Invitae), Labcorp
Classification: Uncertain significance. Last evaluated: 2024-10-23. Review status: criteria provided, single submitter. Criteria: Invitae Variant Classification Sherloc (09022015). Collection method: clinical testing. Allele origin: germline.
Comment: This sequence change falls in intron 9 of the TRIT1 gene. It does not directly change the encoded amino acid sequence of the TRIT1 protein. It affects a nucleotide within the consensus splice site. This variant is present in population databases (rs756888115, gnomAD 0.04%). This variant has not been reported in the literature in individuals affected with TRIT1-related conditions. ClinVar contains an entry for this variant (Variation ID: 2413435). Variants that disrupt the consensus splice site are a relatively common cause of aberrant splicing (PMID: 17576681, 9536098). Algorithms developed to predict the effect of sequence changes on RNA splicing suggest that this variant is not likely to affect RNA splicing. In summary, the available evidence is currently insufficient to determine the role of this variant in disease. Therefore, it has been classified as a Variant of Uncertain Significance.

Literature cited by the submitters: PubMed 17576681; PubMed 9536098.